The following is an entry in ClinVar:

ClinVar aggregate classification (germline): Pathogenic (1 of 4 stars; one submission).

Conditions:
Neurofibromatosis, type 1 (NF1). Also called: VON RECKLINGHAUSEN DISEASE; NEUROFIBROMATOSIS, TYPE I, SOMATIC; Peripheral type neurofibromatosis; Neurofibromatosis, type I. Identifiers: Orphanet 636, MedGen C0027831, MONDO:0018975, OMIM 162200. Disease mechanism: loss of function.

Submission:

Labcorp Genetics (formerly Invitae), Labcorp
Classification: Pathogenic for Neurofibromatosis, type 1. Last evaluated: 2021-12-09. Review status: criteria provided, single submitter. Criteria: Invitae Variant Classification Sherloc (09022015). Collection method: clinical testing. Allele origin: germline.
Comment: This variant is a gross deletion of the genomic region encompassing exon(s) 2-57 of the NF1 gene, which includes the termination codon. This deletion extends beyond the assayed region for this gene and therefore may encompass additional genes. While this deletion is not anticipated to lead to nonsense mediated decay, it is expected to alter mRNA translation or result in a truncated protein product. A similar copy number variant has been observed in individuals with neurofibromatosis type 1 (PMID: 26189818, 26740943). For these reasons, this variant has been classified as Pathogenic.

Literature cited by the submitters: PubMed 26189818; PubMed 26740943.

NC_000017.11:g.(?_31155977)_(31374161_?)del

Genes: EVI2B (ecotropic viral integration site 2B; minus strand), EVI2A (ecotropic viral integration site 2A; minus strand), NF1 (neurofibromin 1; plus strand), OMG (oligodendrocyte myelin glycoprotein; minus strand), LOC108281170 (NF1 intron 2 Alu-mediated recombination region; plus strand) and 7 more. Cytogenetic location: 17q11.2.
Variant type: Deletion.
Identifiers: ClinVar variation 457502 (VCV000457502.2).